The following continues an entry in ClinVar:

NM_003060.4(SLC22A5):c.1463G>A (p.Arg488His)

Gene: SLC22A5. ClinVar aggregate classification (germline): Conflicting classifications of pathogenicity. Pathogenic (3); Likely pathogenic (3); Uncertain significance (10); Benign (1); Likely benign (3).

Submissions 18 to 21 of 21:

Illumina Laboratory Services, Illumina
Classification: Uncertain significance for Renal carnitine transport defect. Last evaluated: 2017-04-27. Review status: criteria provided, single submitter. Criteria: ICSL Variant Classification Criteria 13 December 2019. Collection method: clinical testing. Allele origin: germline.
Comment: This variant was observed as part of a predisposition screen in an ostensibly healthy population. A literature search was performed for the gene, cDNA change, and amino acid change (where applicable). Publications were found based on this search. However, the evidence from the literature, in combination with allele frequency data from public databases where available, was not sufficient to rule this variant in or out of causing disease. Therefore, this variant is classified as a variant of unknown significance.

Eurofins Ntd Llc (ga)
Classification: Pathogenic. Last evaluated: 2015-07-30. Review status: criteria provided, single submitter. Criteria: EGL Classification Definitions 2015. Collection method: clinical testing. Allele origin: germline. Observed: 36 variant alleles, 36 heterozygotes.

HudsonAlpha Institute for Biotechnology
Classification: Pathogenic for Renal carnitine transport defect. Last evaluated: 2013-10-21. Review status: criteria provided, single submitter. Criteria: HA_assertions_20150911. Collection method: research. Allele origin: unknown, maternal. Affected: yes. Observed: 2 variant alleles. Study: CSER-HudsonAlpha.

Counsyl
Classification: Uncertain significance for Renal carnitine transport defect. Last evaluated: 2017-09-22. Review status: no assertion criteria provided. Collection method: clinical testing. Allele origin: unknown. Not counted in ClinVar's aggregate classification.

Literature cited by the submitters: PubMed 20208395 (cited by 3 submitters); PubMed 21126579 (cited by Women's Health and Genetics/Laboratory Corporation of America, LabCorp); PubMed 28841266 (cited by Women's Health and Genetics/Laboratory Corporation of America, LabCorp and Laboratory for Molecular Medicine, Mass General Brigham Personalized Medicine); PubMed 34440436 (cited by Women's Health and Genetics/Laboratory Corporation of America, LabCorp); PubMed 16652335 (cited by 3 submitters); PubMed 18337137 (cited by 3 submitters); PubMed 22116472 (cited by 3 submitters); PubMed 17126586 (cited by Laboratory for Molecular Medicine, Mass General Brigham Personalized Medicine); PubMed 26990548 (cited by Laboratory for Molecular Medicine, Mass General Brigham Personalized Medicine); PubMed 27320645 (cited by Laboratory for Molecular Medicine, Mass General Brigham Personalized Medicine); PubMed 23379544 (cited by Laboratory for Molecular Medicine, Mass General Brigham Personalized Medicine); PubMed 29790872 (cited by Laboratory for Molecular Medicine, Mass General Brigham Personalized Medicine); PubMed 27181684 (cited by Laboratory for Molecular Medicine, Mass General Brigham Personalized Medicine and Counsyl); PubMed 21922592 (cited by 3 submitters); PubMed 26828774 (cited by Laboratory for Molecular Medicine, Mass General Brigham Personalized Medicine); PubMed 24517888 (cited by Laboratory for Molecular Medicine, Mass General Brigham Personalized Medicine); PubMed 16602102 (cited by Illumina Laboratory Services, Illumina); PubMed 25961151 (cited by Counsyl); PubMed 28554332 (cited by Counsyl); PubMed 23798014 (cited by Counsyl).